The following is an entry in ClinVar:

ClinVar aggregate classification (germline): Uncertain significance. Review status: criteria provided, multiple submitters, no conflicts (2 of 4 stars). 2 submissions from 2 submitters: Uncertain significance (2). Last evaluated 2025-05-05.

gnomAD v4.1: 30 of 1,614,080 alleles (0.0019%); highest among the groups gnomAD compares: East Asian, 0.011%; no homozygotes.

Submissions (2):

Labcorp Genetics (formerly Invitae), Labcorp
Classification: Uncertain significance. Last evaluated: 2025-05-05. Review status: criteria provided, single submitter. Criteria: Invitae Variant Classification Sherloc (09022015). Collection method: clinical testing. Allele origin: germline.
Comment: This sequence change replaces valine, which is neutral and non-polar, with methionine, which is neutral and non-polar, at codon 145 of the CANT1 protein (p.Val145Met). This variant is present in population databases (rs140112462, gnomAD 0.01%). This variant has not been reported in the literature in individuals affected with CANT1-related conditions. ClinVar contains an entry for this variant (Variation ID: 1348545). Invitae Evidence Modeling of protein sequence and biophysical properties (such as structural, functional, and spatial information, amino acid conservation, physicochemical variation, residue mobility, and thermodynamic stability) has been performed for this missense variant. However, the output from this modeling did not meet the statistical confidence thresholds required to predict the impact of this variant on CANT1 protein function. In summary, the available evidence is currently insufficient to determine the role of this variant in disease. Therefore, it has been classified as a Variant of Uncertain Significance.

Blueprint Genetics
Classification: Uncertain significance. Last evaluated: 2023-03-27. Review status: criteria provided, single submitter. Criteria: ACMG Guidelines, 2015. Collection method: clinical testing. Allele origin: germline.

NM_001159773.2(CANT1):c.433G>A (p.Val145Met)

Gene: CANT1 (calcium activated nucleotidase 1; minus strand). Cytogenetic location: 17q25.3.
Variant type: single nucleotide variant.
Coding change: c.433G>A on transcript NM_001159773.2 (MANE Select); coding-DNA position 433, G replaced by A.
Protein change: p.Val145Met; replaces valine 145 with methionine.
Molecular consequence: missense variant.
Genome position (GRCh38, 1-based): chr17:78,997,190, C>T on the plus strand (G>A on the coding strand, the complement: CANT1 is on the minus strand). VCF-style: chr17-78997190-C-T. GRCh37 (hg19) VCF-style: chr17-76993272-C-T.
Other names: c.433G>A, p.Val145Met (NM_001159772.2, NM_138793.4); short protein forms V145M.
Identifiers: ClinVar variation 1348545 (VCV001348545.7), dbSNP rs140112462, ClinGen allele CA8808733.
Genomic context (GRCh38, chr17:78,997,190, plus strand): 5'-TGCCTCTCCCCTTCTCCGCCAGGTGGGACTCCAGGACCCCATGGTCTTTGTCCCATTCCA[C>T]GGCCACCTTGTCCCCACTGTCTGACAGGGTCAGGTAGCCCTTTTTCAGGTAACTGAACCA-3'
Protein context (NP_001153245.1, residues 135-155): TLSDSGDKVA[Val145Met]EWDKDHGVLE